The following is an entry in ClinVar:

ClinVar aggregate classification (germline): Uncertain significance (1 of 4 stars; one submission).

Submission:

Labcorp Genetics (formerly Invitae), Labcorp
Classification: Uncertain significance. Last evaluated: 2024-06-12. Review status: criteria provided, single submitter. Criteria: Invitae Variant Classification Sherloc (09022015). Collection method: clinical testing. Allele origin: germline.
Comment: This sequence change replaces glutamic acid, which is acidic and polar, with lysine, which is basic and polar, at codon 482 of the CTNNA1 protein (p.Glu482Lys). This variant is not present in population databases (gnomAD no frequency). This variant has not been reported in the literature in individuals affected with CTNNA1-related conditions. Advanced modeling of protein sequence and biophysical properties (such as structural, functional, and spatial information, amino acid conservation, physicochemical variation, residue mobility, and thermodynamic stability) performed at Invitae indicates that this missense variant is not expected to disrupt CTNNA1 protein function with a negative predictive value of 80%. In summary, the available evidence is currently insufficient to determine the role of this variant in disease. Therefore, it has been classified as a Variant of Uncertain Significance.

NM_001903.5(CTNNA1):c.1444G>A (p.Glu482Lys)

Gene: CTNNA1 (catenin alpha 1; plus strand). Cytogenetic location: 5q31.2.
Variant type: single nucleotide variant.
Coding change: c.1444G>A on transcript NM_001903.5 (MANE Select); coding-DNA position 1444, G replaced by A.
Protein change: p.Glu482Lys; replaces glutamic acid 482 with lysine.
Molecular consequence: missense variant. On other transcripts: 5 prime UTR variant (5).
Genome position (GRCh38, 1-based): chr5:138,917,796, G>A. VCF-style: chr5-138917796-G-A. GRCh37 (hg19) VCF-style: chr5-138253485-G-A.
Other names: c.-6G>A (NM_001324010.1, NM_001324006.1, NM_001324007.1 and 2 more transcripts); c.241G>A, p.Glu81Lys (NM_001324011.1); c.91G>A, p.Glu31Lys (NM_001324012.1, NM_001324013.1); c.1444G>A, p.Glu482Lys (NM_001323984.2, NM_001323985.2, NM_001290307.3 and 2 more transcripts); c.1351G>A, p.Glu451Lys (NM_001323986.2); c.334G>A, p.Glu112Lys (NM_001323987.1, NM_001323990.1, NM_001323996.1 and 17 more transcripts); c.1135G>A, p.Glu379Lys (NM_001290309.3); c.1075G>A, p.Glu359Lys (NM_001290310.3); short protein forms E31K, E359K, E379K, E112K, E451K, E482K, E81K.
Identifiers: ClinVar variation 3656414 (VCV003656414.2).
Genomic context (GRCh38, chr5:138,917,796, plus strand): 5'-TTGCAGGTTATTAATGCTGCACTGGCTTTAGCAGCAAAACCACAGAGTAAACTGGCCCAA[G>A]AGAACATGGATCTTTTTAAAGAACAATGGGAAAAACAAGTCCGTGTTCTCACAGATGCTG-3'
Protein context (NP_001894.2, residues 472-492): AAKPQSKLAQ[Glu482Lys]NMDLFKEQWE